The following is an entry in ClinVar:

NM_001184900.3(CARD8):c.276TGA[1] (p.Asp93del)

Gene: CARD8 (caspase recruitment domain family member 8; minus strand). Cytogenetic location: 19q13.33.
Variant type: Microsatellite.
Coding change: c.276TGA[1] on transcript NM_001184900.3 (MANE Select); one copy of the 3-base unit TGA starting at c.276; the reference has two copies in a row; one copy, 3 bases deleted.
Protein change: p.Asp93del; deletes aspartic acid 93.
Molecular consequence: inframe deletion. On other transcripts: initiator codon variant (5), 5 prime UTR variant (1), non-coding transcript variant (4).
Genome position (GRCh38, 1-based): chr19:48,234,472-48,234,474, TCA deleted on the plus strand (TGA on the coding strand, the reverse complement: CARD8 is on the minus strand); deleting any 3 consecutive bases within chr19:48,234,472-48,234,479 gives the same sequence; the position shown is the placement nearest the transcript's 3' end. VCF-style (leftmost placement, unchanged base first): chr19-48234471-CTCA-C. GRCh37 (hg19) VCF-style: chr19-48737728-CTCA-C.
Other names: c.126TGA[1], p.Asp43del (NM_001184901.1, NM_001351783.2, NM_001351788.2 and 2 more transcripts); c.276TGA[1], p.Asp93del (NM_001184902.2, NM_001184903.1, NM_001351782.2); c.2TGA[1], p.Met2del (NM_001351784.2, NM_001351787.2, NM_001351791.2 and 2 more transcripts); c.-213TGA[1] (NM_001351786.2); c.74TGA[1], p.Met26del (NM_001351790.2); short protein forms D43del, M2del, D93del, M26del.
Identifiers: ClinVar variation 1462831 (VCV001462831.8), dbSNP rs2146365376, ClinGen allele CA2580614929.

ClinVar aggregate classification (germline): Uncertain significance (1 of 4 stars; one submission).

Submission:

Labcorp Genetics (formerly Invitae), Labcorp
Classification: Uncertain significance. Last evaluated: 2023-03-08. Review status: criteria provided, single submitter. Criteria: Invitae Variant Classification Sherloc (09022015). Collection method: clinical testing. Allele origin: germline.
Comment: This variant, c.129_131del, results in the deletion of 1 amino acid(s) of the CARD8 protein (p.Asp43del), but otherwise preserves the integrity of the reading frame. In summary, the available evidence is currently insufficient to determine the role of this variant in disease. Therefore, it has been classified as a Variant of Uncertain Significance. This variant has not been reported in the literature in individuals affected with CARD8-related conditions. This variant is not present in population databases (gnomAD no frequency).